The following is an entry in ClinVar:

ClinVar aggregate classification (germline): Pathogenic/Likely pathogenic. Review status: criteria provided, multiple submitters, no conflicts (2 of 4 stars). 9 submissions from 9 submitters: Pathogenic (6); Likely pathogenic (1). 2 of the submissions do not count toward it. Last evaluated 2026-01-25.

Conditions:
PAH-related disorder. Also called: PAH-related condition.
Phenylketonuria (PKU). Also called: FOLLING DISEASE; Phenylketonurias; OLIGOPHRENIA PHENYLPYRUVICA; Phenylketonuria (PKU). Identifiers: Orphanet 716, MedGen C0031485, MONDO:0009861, OMIM 261600. Disease mechanism: loss of function.

Allele frequency attached by ClinVar (database versions not stated): gnomAD exomes below 0.00001 and 0.00003; TOPMed below 0.00001; ExAC 0.00001.
gnomAD v4.1: 43 of 1,613,784 alleles (0.0027%); highest among the groups gnomAD compares: Non-Finnish European, 0.0035%; no homozygotes.

Submissions (9):

Labcorp Genetics (formerly Invitae), Labcorp
Classification: Pathogenic for Phenylketonuria. Last evaluated: 2026-01-25. Review status: criteria provided, single submitter. Criteria: Invitae Variant Classification Sherloc (09022015). Collection method: clinical testing. Allele origin: germline.
Comment: This sequence change replaces aspartic acid, which is acidic and polar, with asparagine, which is neutral and polar, at codon 282 of the PAH protein (p.Asp282Asn). This variant is present in population databases (rs199475582, gnomAD 0.0009%). This missense change has been observed in individual(s) with PAH-related conditions (PMID: 22112818, 22526846, 23430918, 26666653; internal data). ClinVar contains an entry for this variant (Variation ID: 102874). An algorithm developed to predict the effect of missense changes on protein structure and function (PolyPhen-2) suggests that this variant is likely to be disruptive. Experimental studies have shown that this missense change affects PAH function (PMID: 11161839, 17924342). For these reasons, this variant has been classified as Pathogenic.

CeGaT Center for Human Genetics Tuebingen
Classification: Pathogenic. Last evaluated: 2025-12-01. Review status: criteria provided, single submitter. Criteria: CeGaT Center For Human Genetics Tuebingen Variant Classification Criteria Version 2. Collection method: clinical testing. Allele origin: germline. Affected: yes. Observed: 1 variant allele.
Comment: PAH: PM3:Very Strong, PM2, PM5, PP3

GeneDx
Classification: Pathogenic. Last evaluated: 2025-07-14. Review status: criteria provided, single submitter. Criteria: GeneDx Variant Classification Process June 2021. Collection method: clinical testing. Allele origin: germline. Affected: yes.
Comment: Published functional studies found this variant is associated with significantly reduced enzyme activity (PMID: 11161839); Not observed at significant frequency in large population cohorts (gnomAD); In silico analysis supports that this missense variant has a deleterious effect on protein structure/function; This variant is associated with the following publications: (PMID: 26206375, 8406445, 9012412, 7914195, 30037505, 10980574, 8828600, 12655544, 32668217, 37446577, 31923802, 26542770, 26666653, 11161839, 23430918, 17924342, 22112818, 22526846)

Natera, Inc.
Classification: Pathogenic for Phenylketonuria. Last evaluated: 2025-03-03. Review status: criteria provided, single submitter. Criteria: Natera Variant Classification Schema (03/2026). Collection method: clinical testing. Allele origin: germline.
Comment: The c.844G>A variant in PAH is a missense variant predicted to cause substitution of aspartic acid to asparagine at amino acid 282. This variant is rare in the general population with a frequency below the threshold expected for the associated phenotype(s). This variant has been observed in one or more individuals affected with the associated recessive disease, as either homozygous or compound heterozygous with a second variant (PMID: 26542770). Computational prediction algorithms indicate this variant is likely to affect gene or protein function. Given the available evidence, this variant is classified as Pathogenic.

Women's Health and Genetics/Laboratory Corporation of America, LabCorp
Classification: Pathogenic for Phenylketonuria. Last evaluated: 2022-04-21. Review status: criteria provided, single submitter. Criteria: LabCorp Variant Classification Summary - May 2015. Collection method: clinical testing. Allele origin: germline.
Comment: Variant summary: PAH c.844G>A (p.Asp282Asn) results in a conservative amino acid change located in the Aromatic amino acid hydroxylase, C-terminal domain (IPR019774) of the encoded protein sequence. Four of five in-silico tools predict a damaging effect of the variant on protein function. 4/4 computational tools predict no significant impact on normal splicing. However, these predictions have yet to be confirmed by functional studies. The variant allele was found at a frequency of 4e-06 in 250874 control chromosomes (gnomAD). c.844G>A has been reported in the literature in multiple individuals affected with Phenylalanine Hydroxylase Deficiency (Phenylketonuria, e.g. Jeannesson-Thivisol_2015, Sterl_2013, Bayat_2016), including one homozygote (Bayat_2016). These data indicate that the variant is very likely to be associated with disease. One publication reports that the purified variant protein (from bacterial and cell free in vitro transcription-translation systems) had 1.3% and 0-4% enzymatic activity, respectively (Gjetting_2001). Three ClinVar submitters have assessed this variant since 2014: one classified the variant as likely pathogenic and two as pathogenic. Based on the evidence outlined above, the variant was classified as pathogenic.

Fulgent Genetics
Classification: Pathogenic for Phenylketonuria. Last evaluated: 2022-03-09. Review status: criteria provided, single submitter. Criteria: ACMG Guidelines, 2015. Collection method: clinical testing. Allele origin: unknown.

Blueprint Genetics
Classification: Likely pathogenic for PAH-related disorders. Last evaluated: 2019-05-17. Review status: criteria provided, single submitter. Criteria: ACMG Guidelines, 2015. Collection method: clinical testing. Allele origin: germline. Affected: yes. Observed: 2 variant alleles.

Counsyl
Classification: Likely pathogenic for Phenylketonuria. Last evaluated: 2016-01-13. Review status: no assertion criteria provided. Collection method: clinical testing. Allele origin: unknown. Not counted in ClinVar's aggregate classification.

DeBelle Laboratory for Biochemical Genetics, MUHC/MCH RESEARCH INSTITUTE
No classification provided. Review status: no classification provided. Collection method: not provided. Allele origin: not provided. Not counted in ClinVar's aggregate classification.

Literature cited by the submitters: PubMed 22112818 (cited by Labcorp Genetics (formerly Invitae), Labcorp and Counsyl); PubMed 22526846 (cited by 3 submitters); PubMed 23430918 (cited by Labcorp Genetics (formerly Invitae), Labcorp and Counsyl); PubMed 26666653 (cited by Labcorp Genetics (formerly Invitae), Labcorp and Women's Health and Genetics/Laboratory Corporation of America, LabCorp); PubMed 11161839 (cited by 3 submitters); PubMed 17924342 (cited by Labcorp Genetics (formerly Invitae), Labcorp and Counsyl); PubMed 26542770 (cited by Natera, Inc. and Women's Health and Genetics/Laboratory Corporation of America, LabCorp); PubMed 26206375 (cited by Counsyl); PubMed 9012412 (cited by Counsyl).

NM_000277.3(PAH):c.844G>A (p.Asp282Asn)

Genes: PAH (phenylalanine hydroxylase; minus strand), LOC126861615 (CDK7 strongly-dependent group 2 enhancer GRCh37_chr12:103244689-103245888; plus strand). Cytogenetic location: 12q23.2.
Variant type: single nucleotide variant.
Coding change: c.844G>A on transcript NM_000277.3 (MANE Select); coding-DNA position 844, G replaced by A.
Protein change: p.Asp282Asn; replaces aspartic acid 282 with asparagine.
Molecular consequence: missense variant.
Genome position (GRCh38, 1-based): chr12:102,851,755, C>T on the plus strand (G>A on the coding strand, the complement: PAH is on the minus strand). VCF-style: chr12-102851755-C-T. GRCh37 (hg19) VCF-style: chr12-103245533-C-T.
Other names: c.844G>A (NM_000277.2); c.843+1G>A (NM_000277.1); c.844G>A, p.Asp282Asn (NM_001354304.2); short protein forms D282N.
Identifiers: ClinVar variation 102874 (VCV000102874.23), dbSNP rs199475582, ClinGen allele CA229817.
Genomic context (GRCh38, chr12:102,851,755, plus strand): 5'-ACTGGGCAAAGCTGCGATCTGAAAACAAGGGCACATGTCCCAACAGCTCATGGCAGATGT[C>T]ACTGAAAGACAGAAAGCACAGAGAGCTCGGAGGGGAGGAGGTTTAAGCCAAGCCAGACTC-3'
Protein context (NP_000268.1, residues 272-292): GSKPMYTPEP[Asp282Asn]ICHELLGHVP